The following is an entry in ClinVar:

ClinVar aggregate classification (germline): Uncertain significance (1 of 4 stars; one submission).

gnomAD v4.1: 1 of 1,277,168 alleles (0.000078%); highest among the groups gnomAD compares: South Asian, 0.003%; no homozygotes.

Submission:

Labcorp Genetics (formerly Invitae), Labcorp
Classification: Uncertain significance. Last evaluated: 2024-04-03. Review status: criteria provided, single submitter. Criteria: Invitae Variant Classification Sherloc (09022015). Collection method: clinical testing. Allele origin: germline.
Comment: This sequence change replaces alanine, which is neutral and non-polar, with serine, which is neutral and polar, at codon 93 of the SLC12A2 protein (p.Ala93Ser). This variant is not present in population databases (gnomAD no frequency). This variant has not been reported in the literature in individuals affected with SLC12A2-related conditions. Advanced modeling of protein sequence and biophysical properties (such as structural, functional, and spatial information, amino acid conservation, physicochemical variation, residue mobility, and thermodynamic stability) performed at Invitae indicates that this missense variant is not expected to disrupt SLC12A2 protein function with a negative predictive value of 95%. In summary, the available evidence is currently insufficient to determine the role of this variant in disease. Therefore, it has been classified as a Variant of Uncertain Significance.

NM_001046.3(SLC12A2):c.277G>T (p.Ala93Ser)

Genes: SLC12A2 (solute carrier family 12 member 2; plus strand), LOC129994526 (ATAC-STARR-seq lymphoblastoid silent region 16295; plus strand). Cytogenetic location: 5q23.3.
Variant type: single nucleotide variant.
Coding change: c.277G>T on transcript NM_001046.3 (MANE Select); coding-DNA position 277, G replaced by T.
Protein change: p.Ala93Ser; replaces alanine 93 with serine.
Molecular consequence: missense variant. On other transcripts: non-coding transcript variant (1).
Genome position (GRCh38, 1-based): chr5:128,084,231, G>T. VCF-style: chr5-128084231-G-T. GRCh37 (hg19) VCF-style: chr5-127419923-G-T.
Other names: c.277G>T, p.Ala93Ser (NM_001256461.2); short protein forms A93S.
Identifiers: ClinVar variation 2863473 (VCV002863473.3), dbSNP rs2480685688, ClinGen allele CA360736170.